The following is an entry in ClinVar:

ClinVar aggregate classification (germline): Pathogenic (1 of 4 stars; one submission).

Submission:

Labcorp Genetics (formerly Invitae), Labcorp
Classification: Pathogenic. Last evaluated: 2023-10-30. Review status: criteria provided, single submitter. Criteria: Invitae Variant Classification Sherloc (09022015). Collection method: clinical testing. Allele origin: germline.
Comment: This variant results in the deletion of part of exon 63 (c.12294+1177_12472del) of the USH2A gene. It is expected to disrupt RNA splicing. Variants that disrupt the donor or acceptor splice site typically lead to a loss of protein function (PMID: 16199547), and loss-of-function variants in USH2A are known to be pathogenic (PMID: 10729113, 10909849, 20507924, 25649381). This variant has not been reported in the literature in individuals affected with USH2A-related conditions. This variant disrupts a region of the USH2A protein in which other variant(s) (p.Gly4139) have been determined to be pathogenic (Invitae). This suggests that this is a clinically significant region of the protein, and that variants that disrupt it are likely to be disease-causing. For these reasons, this variant has been classified as Pathogenic.

Literature cited by the submitters: PubMed 16199547; PubMed 10729113; PubMed 10909849; PubMed 20507924; PubMed 25649381.

NC_000001.10:g.(?_215848781)_(215852314_?)del

Gene: USH2A (usherin; minus strand). Cytogenetic location: 1q41.
Variant type: Deletion.
Identifiers: ClinVar variation 1350023 (VCV001350023.5).